The following is an entry in ClinVar:

NM_006648.4(WNK2):c.4691A>C (p.His1564Pro)

Gene: WNK2 (WNK lysine deficient protein kinase 2; plus strand). Cytogenetic location: 9q22.31.
Variant type: single nucleotide variant.
Coding change: c.4691A>C on transcript NM_006648.4 (MANE Select); coding-DNA position 4691, A replaced by C.
Protein change: p.His1564Pro; replaces histidine 1564 with proline.
Molecular consequence: missense variant.
Genome position (GRCh38, 1-based): chr9:93,289,445, A>C. VCF-style: chr9-93289445-A-C. GRCh37 (hg19) VCF-style: chr9-96051727-A-C.
Other names: c.4802A>C, p.His1601Pro (NM_001282394.3); short protein forms H1564P, H1601P.
Identifiers: ClinVar variation 3817027 (VCV003817027.1).
Genomic context (GRCh38, chr9:93,289,445, plus strand): 5'-TTGTGGACAGCACCATCAAGAGCCTGGACGAGAAGCTGCGGACTCTGCTCTACCAGGAGC[A>C]CGTGCCCACCTCCTCAGCCTCAGCTGGGACCCCTGTGGAGGTGGGCGACAGAGACTTCAC-3'
Protein context (NP_006639.3, residues 1554-1574): EKLRTLLYQE[His1564Pro]VPTSSASAGT

ClinVar aggregate classification (germline): Uncertain significance (1 of 4 stars; one submission).

Submission:

Ambry Genetics
Classification: Uncertain significance. Last evaluated: 2025-02-08. Review status: criteria provided, single submitter. Criteria: Ambry Variant Classification Scheme 2023. Collection method: clinical testing. Allele origin: germline.
Comment: The p.H1564P variant (also known as c.4691A>C), located in coding exon 19 of the WNK2 gene, results from an A to C substitution at nucleotide position 4691. The histidine at codon 1564 is replaced by proline, an amino acid with similar properties. This amino acid position is conserved. In addition, this alteration is predicted to be tolerated by in silico analysis. Based on the available evidence, the clinical significance of this variant remains unclear.